The following is an entry in ClinVar:

Conditions:
Breast-ovarian cancer, familial, susceptibility to, 1 (BROVCA1). Also called: BRCA1 Hereditary Breast and Ovarian Cancer; OVARIAN CANCER, SUSCEPTIBILITY TO. Identifiers: Orphanet 145, MedGen C2676676, MONDO:0011450, OMIM 604370. Disease mechanism: loss of function.

Submission:

Brotman Baty Institute, University of Washington
No classification provided (evidence only). Condition: Breast-ovarian cancer, familial 1. Review status: no classification provided. Collection method: in vitro. Allele origin: not applicable. Functional consequence: functionally_normal.
ClinVar note: "not provided" was previously submitted as the classification for the variant. However, the classification appeared to be based only on an observation of functional data so it was converted to no classification on 2025-07-30.

NM_007294.4(BRCA1):c.5286G>C (p.Arg1762Ser)

Gene: BRCA1 (BRCA1 DNA repair associated; minus strand). Cytogenetic location: 17q21.31.
Variant type: single nucleotide variant.
Coding change: c.5286G>C on transcript NM_007294.4 (MANE Select); coding-DNA position 5286, G replaced by C.
Protein change: p.Arg1762Ser; replaces arginine 1762 with serine.
Molecular consequence: missense variant. On other transcripts: non-coding transcript variant (1).
Genome position (GRCh38, 1-based): chr17:43,051,109, C>G on the plus strand (G>C on the coding strand, the complement: BRCA1 is on the minus strand). VCF-style: chr17-43051109-C-G. GRCh37 (hg19) VCF-style: chr17-41203126-C-G.
Other names: c.5286G>C, p.Arg1762Ser (NM_001407854.1, NM_001407593.1, NM_001407594.1 and 6 more transcripts); c.5283G>C, p.Arg1761Ser (NM_001407858.1, NM_001407859.1, NM_001407618.1 and 17 more transcripts); c.5076G>C, p.Arg1692Ser (NM_001407885.1, NM_001407886.1, NM_001407887.1 and 5 more transcripts); c.5073G>C, p.Arg1691Ser (NM_001407894.1, NM_001407895.1, NM_001407896.1 and 12 more transcripts); c.5070G>C, p.Arg1690Ser (NM_001407916.1, NM_001407917.1, NM_001407918.1 and 1 more transcripts); c.5022G>C, p.Arg1674Ser (NM_001407920.1, NM_001407921.1, NM_001407922.1 and 4 more transcripts); c.5016G>C, p.Arg1672Ser (NM_001407936.1, NM_001407934.1, NM_001407935.1); c.5163G>C, p.Arg1721Ser (NM_001407937.1, NM_001407938.1, NM_001407664.1 and 5 more transcripts); and 72 more; short protein forms R1715S, R1783S, R658S, R1762S, R1635S, R1651S, R1673S, R1690S.
Identifiers: ClinVar variation 867957 (VCV000867957.3), dbSNP rs1567760695, ClinGen allele CA10590973.